The following is an entry in ClinVar:

NM_000465.4(BARD1):c.142C>T (p.Leu48=)

Gene: BARD1 (BRCA1 associated RING domain 1; minus strand). Cytogenetic location: 2q35.
Variant type: single nucleotide variant.
Coding change: c.142C>T on transcript NM_000465.4 (MANE Select); coding-DNA position 142, C replaced by T.
Protein change: p.Leu48=; no amino-acid change (leucine 48 retained).
Molecular consequence: synonymous variant. On other transcripts: non-coding transcript variant (3).
Genome position (GRCh38, 1-based): chr2:214,809,428, G>A on the plus strand (C>T on the coding strand, the complement: BARD1 is on the minus strand). VCF-style: chr2-214809428-G-A. GRCh37 (hg19) VCF-style: chr2-215674152-G-A.
Other names: c.142C>T, p.Leu48= (NM_001282543.2, NM_001282545.2, NM_001282548.2 and 1 more transcripts).
Identifiers: ClinVar variation 381327 (VCV000381327.21), dbSNP rs1057521017, ClinGen allele CA16604135.

ClinVar aggregate classification (germline): Benign/Likely benign. Review status: criteria provided, multiple submitters, no conflicts (2 of 4 stars). 7 submissions from 7 submitters: Benign (1); Likely benign (5). 1 of the submissions does not count toward it. Last evaluated 2025-12-10.

Conditions:
BARD1-related disorder. Also called: BARD1-related condition.
Hereditary cancer-predisposing syndrome. Also called: Tumor predisposition; Hereditary neoplastic syndrome; Neoplastic Syndromes, Hereditary; Hereditary Cancer Syndrome. Identifiers: Orphanet 140162, MedGen C0027672, MeSH D009386, MONDO:0015356.
Familial cancer of breast. Also called: hereditary breast carcinoma; Hereditary breast cancer; BREAST CANCER, FAMILIAL. Identifiers: Orphanet 227535, MedGen C0346153, MONDO:0016419, OMIM 114480. Disease mechanism: loss of function.

Allele frequency attached by ClinVar (database versions not stated): TOPMed below 0.00001; gnomAD exomes 0.00001.
gnomAD v4.1: 7 of 1,612,368 alleles (0.00043%); highest among the groups gnomAD compares: Admixed American, 0.0067%; no homozygotes.

Submissions (7):

Labcorp Genetics (formerly Invitae), Labcorp
Classification: Likely benign for Familial cancer of breast. Last evaluated: 2025-12-10. Review status: criteria provided, single submitter. Criteria: Invitae Variant Classification Sherloc (09022015). Collection method: clinical testing. Allele origin: germline.

Myriad Genetics, Inc.
Classification: Benign for Familial cancer of breast. Last evaluated: 2024-07-18. Review status: criteria provided, single submitter. Criteria: Myriad Autosomal Dominant, Autosomal Recessive and X-Linked Classification Criteria (2023). Collection method: clinical testing. Allele origin: unknown.
Comment: This variant is considered benign. This variant is a silent/synonymous amino acid change and it is not expected to impact splicing.

Sema4
Classification: Likely benign for Hereditary cancer-predisposing syndrome. Last evaluated: 2021-07-16. Review status: criteria provided, single submitter. Criteria: Sema4 Curation Guidelines. Collection method: curation. Allele origin: germline.

Color Diagnostics, LLC DBA Color Health
Classification: Likely benign for Hereditary cancer-predisposing syndrome. Last evaluated: 2017-09-26. Review status: criteria provided, single submitter. Criteria: ACMG Guidelines, 2015. Collection method: clinical testing. Allele origin: germline.

Ambry Genetics
Classification: Likely benign for Hereditary cancer-predisposing syndrome. Last evaluated: 2016-01-24. Review status: criteria provided, single submitter. Criteria: Ambry Variant Classification Scheme 2023. Collection method: clinical testing. Allele origin: germline.

GeneDx
Classification: Likely benign. Last evaluated: 2015-11-03. Review status: criteria provided, single submitter. Criteria: GeneDx Variant Classification (06012015). Collection method: clinical testing. Allele origin: germline. Affected: yes.
Comment: This variant is considered likely benign or benign based on one or more of the following criteria: it is a conservative change, it occurs at a poorly conserved position in the protein, it is predicted to be benign by multiple in silico algorithms, and/or has population frequency not consistent with disease.

PreventionGenetics, part of Exact Sciences
Classification: Likely benign for BARD1-related condition. Last evaluated: 2024-08-17. Review status: no assertion criteria provided. Collection method: clinical testing. Allele origin: germline. Not counted in ClinVar's aggregate classification.
Comment: This variant is classified as likely benign based on ACMG/AMP sequence variant interpretation guidelines (Richards et al. 2015 PMID: 25741868, with internal and published modifications).